The following is an entry in ClinVar:

ClinVar aggregate classification (germline): Uncertain significance. Review status: criteria provided, multiple submitters, no conflicts (2 of 4 stars). 2 submissions from 2 submitters: Uncertain significance (2). Last evaluated 2024-06-09.

Conditions:
Neuropathy, hereditary sensory and autonomic, type 2A (HSAN2A). Also called: ACROOSTEOLYSIS, GIACCAI TYPE; ACROOSTEOLYSIS, NEUROGENIC; MORVAN DISEASE; NEUROPATHY, CONGENITAL SENSORY; NEUROPATHY, HEREDITARY SENSORY RADICULAR, AUTOSOMAL RECESSIVE; NEUROPATHY, HEREDITARY SENSORY, TYPE IIA. Identifiers: Orphanet 970, MedGen C2752089, MONDO:0024309, OMIM 201300.
Pseudohypoaldosteronism type 2C (PHA2C). Also called: Pseudohypoaldosteronism Type IIC. Identifiers: Orphanet 757, Orphanet 88940, MedGen C1840391, MONDO:0013778, OMIM 614492.

Submissions (2):

Fulgent Genetics
Classification: Uncertain significance for Neuropathy, hereditary sensory and autonomic, type 2A; Pseudohypoaldosteronism type 2C. Last evaluated: 2024-06-09. Review status: criteria provided, single submitter. Criteria: ACMG Guidelines, 2015. Collection method: clinical testing. Allele origin: germline.

Labcorp Genetics (formerly Invitae), Labcorp
Classification: Uncertain significance for Neuropathy, hereditary sensory and autonomic, type 2A; Pseudohypoaldosteronism type 2C. Last evaluated: 2021-10-12. Review status: criteria provided, single submitter. Criteria: Invitae Variant Classification Sherloc (09022015). Collection method: clinical testing. Allele origin: germline.
Comment: This variant has not been reported in the literature in individuals affected with WNK1-related conditions. This variant is not present in population databases (ExAC no frequency). This sequence change replaces valine with alanine at codon 1705 of the WNK1 protein (p.Val1705Ala). The valine residue is weakly conserved and there is a small physicochemical difference between valine and alanine. Advanced modeling of protein sequence and biophysical properties (such as structural, functional, and spatial information, amino acid conservation, physicochemical variation, residue mobility, and thermodynamic stability) performed at Invitae indicates that this missense variant is not expected to disrupt WNK1 protein function. In summary, the available evidence is currently insufficient to determine the role of this variant in disease. Therefore, it has been classified as a Variant of Uncertain Significance.

NM_018979.4(WNK1):c.4358T>C (p.Val1453Ala)

Gene: WNK1 (WNK lysine deficient protein kinase 1; plus strand). Cytogenetic location: 12p13.33.
Variant type: single nucleotide variant.
Coding change: c.4358T>C on transcript NM_018979.4 (MANE Select); coding-DNA position 4358, T replaced by C.
Protein change: p.Val1453Ala; replaces valine 1453 with alanine.
Molecular consequence: missense variant.
Genome position (GRCh38, 1-based): chr12:885,162, T>C. VCF-style: chr12-885162-T-C. GRCh37 (hg19) VCF-style: chr12-994328-T-C.
Other names: c.5138T>C, p.Val1713Ala (NM_001184985.2); c.3617T>C, p.Val1206Ala (NM_014823.3); c.5114T>C, p.Val1705Ala (NM_213655.5); short protein forms V1705A, V1206A, V1713A, V1453A.
Identifiers: ClinVar variation 1386276 (VCV001386276.7), dbSNP rs1953537855, ClinGen allele CA383331069.